The following is an entry in ClinVar:

NM_001377.3(DYNC2H1):c.12619C>T (p.Arg4207Ter)

Gene: DYNC2H1 (dynein cytoplasmic 2 heavy chain 1; plus strand). Cytogenetic location: 11q22.3.
Variant type: single nucleotide variant.
Coding change: c.12619C>T on transcript NM_001377.3 (MANE Select); coding-DNA position 12619, C replaced by T.
Protein change: p.Arg4207Ter; replaces arginine 4207 with a stop codon.
Molecular consequence: nonsense.
Genome position (GRCh38, 1-based): chr11:103,456,327, C>T. VCF-style: chr11-103456327-C-T. GRCh37 (hg19) VCF-style: chr11-103327055-C-T.
Other names: c.12640C>T, p.Arg4214Ter (NM_001080463.2); short protein forms R4207*, R4214*.
Identifiers: ClinVar variation 5004056 (VCV005004056.1), dbSNP rs750919118.
Genomic context (GRCh38, chr11:103,456,327, plus strand): 5'-CTTTACAGGGCAGTGGGTCGTTCTGTGGATAGCCTTAAATTTGTAGCCTCATGGAAAGGT[C>T]GACTGCAAGAAGCAAAGCTACAAATTAAGGTACTAGACTAATTTTAGATCTTGGAATCTC-3'

ClinVar aggregate classification (germline): Pathogenic (1 of 4 stars; one submission).

Conditions:
Asphyxiating thoracic dystrophy 3. Also called: Saldino-Noonan Syndrome; Short rib polydactyly syndrome 2B; SHORT-RIB THORACIC DYSPLASIA 3 WITH OR WITHOUT POLYDACTYLY; POLYDACTYLY WITH NEONATAL CHONDRODYSTROPHY, TYPE I; SHORT-RIB THORACIC DYSPLASIA 3/6 WITH POLYDACTYLY, DIGENIC. Identifiers: Orphanet 474, Orphanet 93269, Orphanet 93270, Orphanet 93271, MedGen C0036069, MONDO:0013127, OMIM 613091.

Submission:

Myriad Genetics, Inc.
Classification: Pathogenic for Asphyxiating thoracic dystrophy 3. Last evaluated: 2026-09-01. Review status: criteria provided, single submitter. Criteria: Myriad Autosomal Dominant, Autosomal Recessive and X-Linked Classification Criteria (2023). Collection method: clinical testing. Allele origin: unknown.
Comment: NM_001377.2(DYNC2H1):c.12619C>T(R4207*) is a nonsense variant classified as pathogenic in the context of DYNC2H1-related disorders. R4207* has been observed in a case with relevant disease (PMID: 36599940). Relevant functional assessments of this variant are not available in the literature. R4207* has been observed in referenced population frequency databases. In summary, NM_001377.2(DYNC2H1):c.12619C>T(R4207*) is a nonsense variant in a gene where loss of function is a known mechanism of disease, is predicted to disrupt protein function, and has been observed more frequently in cases with the relevant disease than in healthy populations. Please note: this variant was assessed in the context of healthy population screening.

Literature cited by the submitters: PubMed 36599940.